The following is an entry in ClinVar:

ClinVar aggregate classification (germline): Pathogenic (1 of 4 stars; one submission).

Submission:

Labcorp Genetics (formerly Invitae), Labcorp
Classification: Pathogenic. Last evaluated: 2022-06-22. Review status: criteria provided, single submitter. Criteria: Invitae Variant Classification Sherloc (09022015). Collection method: clinical testing. Allele origin: germline.
Comment: This sequence change creates a premature translational stop signal (p.Ser205Leufs*8) in the EFNB1 gene. While this is not anticipated to result in nonsense mediated decay, it is expected to disrupt the last 142 amino acid(s) of the EFNB1 protein. This variant is not present in population databases (gnomAD no frequency). This variant has not been reported in the literature in individuals affected with EFNB1-related conditions. This variant disrupts a region of the EFNB1 protein in which other variant(s) (p.Val212Glufs*19) have been determined to be pathogenic (PMID: 16685650, 31837199). This suggests that this is a clinically significant region of the protein, and that variants that disrupt it are likely to be disease-causing. For these reasons, this variant has been classified as Pathogenic.

Literature cited by the submitters: PubMed 16685650; PubMed 31837199.

NM_004429.5(EFNB1):c.614del (p.Ser205fs)

Gene: EFNB1 (ephrin B1; plus strand). Cytogenetic location: Xq13.1.
Variant type: Deletion.
Coding change: c.614del on transcript NM_004429.5 (MANE Select); coding-DNA position 614, one base deleted (C; older notation c.614delC).
Protein change: p.Ser205fs; shifts the reading frame from serine 205.
Molecular consequence: frameshift variant.
Genome position (GRCh38, 1-based): chrX:68,840,074, C deleted. VCF-style (leftmost placement, unchanged base first): chrX-68840073-TC-T. GRCh37 (hg19) VCF-style: chrX-68059916-TC-T.
Other names: short protein forms S205fs.
Identifiers: ClinVar variation 2009328 (VCV002009328.4), dbSNP rs2519539767, ClinGen allele CA2580101296.